The following is an entry in ClinVar:

NM_001735.3(C5):c.4806A>G (p.Lys1602=)

Gene: C5 (complement C5; minus strand). Cytogenetic location: 9q33.2.
Variant type: single nucleotide variant.
Coding change: c.4806A>G on transcript NM_001735.3 (MANE Select); coding-DNA position 4806, A replaced by G.
Protein change: p.Lys1602=; no amino-acid change (lysine 1602 retained).
Molecular consequence: synonymous variant.
Genome position (GRCh38, 1-based): chr9:120,953,825, T>C on the plus strand (A>G on the coding strand, the complement: C5 is on the minus strand). VCF-style: chr9-120953825-T-C. GRCh37 (hg19) VCF-style: chr9-123716103-T-C.
Other names: p.Lys1602=; c.4824A>G, p.Lys1608= (NM_001317163.2).
Identifiers: ClinVar variation 402450 (VCV000402450.17), dbSNP rs41258306, ClinGen allele CA5217050.
Genomic context (GRCh38, chr9:120,953,825, plus strand): 5'-TTTACCCATAATTAAGTACTGTCTTCCTTTTACCAGCTCAGCGTTAGTACAGGTTACCTT[T>C]TTAATGAAGGTAATCTCAGAGTCTTTCTCAGCAACAGCTTCCCCTGAGAGACATGCAAGT-3'
Protein context (NP_001726.2, residues 1592-1612): AEKDSEITFI[Lys1602=]KVTCTNAELV

ClinVar aggregate classification (germline): Benign/Likely benign. Review status: criteria provided, multiple submitters, no conflicts (2 of 4 stars). 6 submissions from 6 submitters: Benign (5); Likely benign (1). Last evaluated 2026-02-04.

Allele frequency attached by ClinVar (database versions not stated): 1000 Genomes Project 0.05232; 1000 Genomes Project 30x 0.05387; gnomAD exomes 0.05708; gnomAD 0.05823 and 0.05843; ExAC 0.05917; TOPMed 0.06160; ESP Exome Variant Server 0.06881.
gnomAD v4.1: 102,715 of 1,613,206 alleles (6.4%); highest among the groups gnomAD compares: Non-Finnish European, 6.9%; 3,668 homozygotes.

Submissions (6):

Labcorp Genetics (formerly Invitae), Labcorp
Classification: Benign. Last evaluated: 2026-02-04. Review status: criteria provided, single submitter. Criteria: Invitae Variant Classification Sherloc (09022015). Collection method: clinical testing. Allele origin: germline.

Women's Health and Genetics/Laboratory Corporation of America, LabCorp
Classification: Benign. Last evaluated: 2026-01-21. Review status: criteria provided, single submitter. Criteria: LabCorp Variant Classification Summary - May 2015. Collection method: clinical testing. Allele origin: germline.

Blueprint Genetics
Classification: Likely benign. Last evaluated: 2024-11-27. Review status: criteria provided, single submitter. Criteria: ACMG Guidelines, 2015. Collection method: clinical testing. Allele origin: germline.

Mayo Clinic Laboratories, Mayo Clinic
Classification: Benign. Last evaluated: 2022-09-06. Review status: criteria provided, single submitter. Criteria: ACMG Guidelines, 2015. Collection method: clinical testing. Allele origin: germline. Observed: 3 variant alleles.

Laboratory for Molecular Medicine, Mass General Brigham Personalized Medicine
Classification: Benign. Last evaluated: 2016-03-28. Review status: criteria provided, single submitter. Criteria: LMM Criteria. Collection method: clinical testing. Allele origin: germline.
Comment: Variant identified in a genome or exome case(s) and assessed due to predicted null impact of the variant or pathogenic assertions in the literature or databases. Disclaimer: This variant has not undergone full assessment. The following are preliminary notes: Frequency

Breakthrough Genomics
Classification: Benign. Review status: criteria provided, single submitter. Criteria: ACMG Guidelines, 2015. Collection method: not provided. Allele origin: germline. Inheritance: Autosomal recessive inheritance. Affected: yes.